The following is an entry in ClinVar:

ClinVar aggregate classification (germline): Uncertain significance. Review status: criteria provided, multiple submitters, no conflicts (2 of 4 stars). 3 submissions from 3 submitters: Uncertain significance (3). Last evaluated 2025-06-24.

Conditions:
Pseudohypoaldosteronism, type IB3, autosomal recessive (PHA1B3). Identifiers: MedGen C5774256, MONDO:0859318, OMIM 620126.
Bronchiectasis with or without elevated sweat chloride 3 (BESC3). Identifiers: Orphanet 60033, MedGen C2751324, MONDO:0013112, OMIM 613071.
Liddle syndrome 2. Identifiers: MedGen C4748251, MONDO:0020854, OMIM 618114.

gnomAD v4.1: 82 of 1,613,834 alleles (0.0051%); highest among the groups gnomAD compares: African/African-American, 0.0093%; no homozygotes.

Submissions (3):

GeneDx
Classification: Uncertain significance. Last evaluated: 2025-06-24. Review status: criteria provided, single submitter. Criteria: GeneDx Variant Classification Process June 2021. Collection method: clinical testing. Allele origin: germline. Affected: yes.
Comment: In silico analysis supports that this missense variant has a deleterious effect on protein structure/function; Has not been previously published as pathogenic or benign to our knowledge

Labcorp Genetics (formerly Invitae), Labcorp
Classification: Uncertain significance. Last evaluated: 2025-06-01. Review status: criteria provided, single submitter. Criteria: Invitae Variant Classification Sherloc (09022015). Collection method: clinical testing. Allele origin: germline.
Comment: This sequence change replaces threonine, which is neutral and polar, with methionine, which is neutral and non-polar, at codon 373 of the SCNN1G protein (p.Thr373Met). This variant is present in population databases (rs758506620, gnomAD 0.008%). This variant has not been reported in the literature in individuals affected with SCNN1G-related conditions. ClinVar contains an entry for this variant (Variation ID: 3579919). Invitae Evidence Modeling of protein sequence and biophysical properties (such as structural, functional, and spatial information, amino acid conservation, physicochemical variation, residue mobility, and thermodynamic stability) indicates that this missense variant is not expected to disrupt SCNN1G protein function with a negative predictive value of 80%. In summary, the available evidence is currently insufficient to determine the role of this variant in disease. Therefore, it has been classified as a Variant of Uncertain Significance.

Fulgent Genetics
Classification: Uncertain significance for Bronchiectasis with or without elevated sweat chloride 3; Liddle syndrome 2; Pseudohypoaldosteronism, type IB3, autosomal recessive. Last evaluated: 2024-02-19. Review status: criteria provided, single submitter. Criteria: ACMG Guidelines, 2015. Collection method: clinical testing. Allele origin: germline.

NM_001039.4(SCNN1G):c.1118C>T (p.Thr373Met)

Gene: SCNN1G (sodium channel epithelial 1 subunit gamma; plus strand). Cytogenetic location: 16p12.2.
Variant type: single nucleotide variant.
Coding change: c.1118C>T on transcript NM_001039.4 (MANE Select); coding-DNA position 1118, C replaced by T.
Protein change: p.Thr373Met; replaces threonine 373 with methionine.
Molecular consequence: missense variant.
Genome position (GRCh38, 1-based): chr16:23,209,790, C>T. VCF-style: chr16-23209790-C-T. GRCh37 (hg19) VCF-style: chr16-23221111-C-T.
Other names: c.1118C>T (NM_001039.3); short protein forms T373M.
Identifiers: ClinVar variation 3579919 (VCV003579919.3).